The following is an entry in ClinVar:

NM_000049.4(ASPA):c.459C>G (p.Tyr153Ter)

Genes: ASPA (aspartoacylase; plus strand), SPATA22 (spermatogenesis associated 22; minus strand). Cytogenetic location: 17p13.2.
Variant type: single nucleotide variant.
Coding change: c.459C>G on transcript NM_000049.4 (MANE Select); coding-DNA position 459, C replaced by G.
Protein change: p.Tyr153Ter; replaces tyrosine 153 with a stop codon.
Molecular consequence: nonsense. On other transcripts: intron variant (2).
Genome position (GRCh38, 1-based): chr17:3,483,525, C>G. VCF-style: chr17-3483525-C-G. GRCh37 (hg19) VCF-style: chr17-3386819-C-G.
Other names: c.459C>G, p.Tyr153Ter (NM_001128085.1); c.-73-14127G>C (NM_001321336.2, NM_001321337.2); short protein forms Y153*.
Identifiers: ClinVar variation 5014943 (VCV005014943.1).

ClinVar aggregate classification (germline): Pathogenic (1 of 4 stars; one submission).

Conditions:
Spongy degeneration of central nervous system. Also called: ACY2 DEFICIENCY; AMINOACYLASE 2 DEFICIENCY; ASP DEFICIENCY; ASPA DEFICIENCY; ASPARTOACYLASE DEFICIENCY; CANAVAN-VAN BOGAERT-BERTRAND DISEASE. Identifiers: Orphanet 141, MedGen C0206307, MONDO:0010079, OMIM 271900.

Submission:

Myriad Genetics, Inc.
Classification: Pathogenic for Spongy degeneration of central nervous system. Last evaluated: 2025-09-07. Review status: criteria provided, single submitter. Criteria: Myriad Autosomal Dominant, Autosomal Recessive and X-Linked Classification Criteria (2023). Collection method: clinical testing. Allele origin: unknown.
Comment: NM_000049.2(ASPA):c.459C>G(Y153*) is expected to be pathogenic in the context of Canavan disease. This variant is predicted to lead to an abnormal or absent protein product due to the creation of a premature termination codon in ASPA, a gene where loss-of-function variants are known to be pathogenic. Please note: this variant was assessed in the context of healthy population screening.